The following is an entry in ClinVar:

ClinVar aggregate classification (germline): Likely benign. Review status: criteria provided, multiple submitters, no conflicts (2 of 4 stars). 4 submissions from 4 submitters: Likely benign (4). Last evaluated 2025-06-17.

Allele frequency attached by ClinVar (database versions not stated): gnomAD 0.00001; TOPMed 0.00002; gnomAD exomes 0.00003 and 0.00004; ExAC 0.00006.
gnomAD v4.1: 43 of 1,606,448 alleles (0.0027%); highest among the groups gnomAD compares: Middle Eastern, 0.017%; 2 homozygotes.

Submissions (4):

Labcorp Genetics (formerly Invitae), Labcorp
Classification: Likely benign. Last evaluated: 2025-06-17. Review status: criteria provided, single submitter. Criteria: Invitae Variant Classification Sherloc (09022015). Collection method: clinical testing. Allele origin: germline.

Laboratory of Genetics, Children's Clinical University Hospital Latvia
Classification: Likely benign. Last evaluated: 2025-02-16. Review status: criteria provided, single submitter. Criteria: ACMG Guidelines, 2015. Collection method: clinical testing. Allele origin: germline. Affected: yes.

Blueprint Genetics
Classification: Likely benign. Last evaluated: 2024-10-25. Review status: criteria provided, single submitter. Criteria: ACMG Guidelines, 2015. Collection method: clinical testing. Allele origin: germline.

CeGaT Center for Human Genetics Tuebingen
Classification: Likely benign. Last evaluated: 2023-09-01. Review status: criteria provided, single submitter. Criteria: CeGaT Center For Human Genetics Tuebingen Variant Classification Criteria Version 2. Collection method: clinical testing. Allele origin: germline. Affected: yes. Observed: 1 variant allele.
Comment: CCDC88A: BP4, BP7

NM_001365480.1(CCDC88A):c.630T>G (p.Thr210=)

Gene: CCDC88A (coiled-coil and HOOK domain protein 88A; minus strand). Cytogenetic location: 2p16.1.
Variant type: single nucleotide variant.
Coding change: c.630T>G on transcript NM_001365480.1 (MANE Select); coding-DNA position 630, T replaced by G.
Protein change: p.Thr210=; no amino-acid change (threonine 210 retained).
Molecular consequence: synonymous variant.
Genome position (GRCh38, 1-based): chr2:55,355,749, A>C on the plus strand (T>G on the coding strand, the complement: CCDC88A is on the minus strand). VCF-style: chr2-55355749-A-C. GRCh37 (hg19) VCF-style: chr2-55582885-A-C.
Other names: c.630T>G, p.Thr210= (NM_001135597.2, NM_001254943.2, NM_018084.5).
Identifiers: ClinVar variation 1628495 (VCV001628495.35), dbSNP rs772724179, ClinGen allele CA1666325.